The following is an entry in ClinVar:

NM_000137.4(FAH):c.52C>G (p.Pro18Ala)

Gene: FAH (fumarylacetoacetate hydrolase; plus strand). Cytogenetic location: 15q25.1.
Variant type: single nucleotide variant.
Coding change: c.52C>G on transcript NM_000137.4 (MANE Select); coding-DNA position 52, C replaced by G.
Protein change: p.Pro18Ala; replaces proline 18 with alanine.
Molecular consequence: missense variant.
Genome position (GRCh38, 1-based): chr15:80,153,106, C>G. VCF-style: chr15-80153106-C-G. GRCh37 (hg19) VCF-style: chr15-80445448-C-G.
Other names: c.52C>G, p.Pro18Ala (NM_001374377.1, NM_001374380.1); short protein forms P18A.
Identifiers: ClinVar variation 2108874 (VCV002108874.4), dbSNP rs2041065761, ClinGen allele CA393615552.
Genomic context (GRCh38, chr15:80,153,106, plus strand): 5'-CTCTTCAGCATGTCCTTCATCCCGGTGGCCGAGGATTCCGACTTCCCCATCCACAACCTG[C>G]CCTACGGCGTCTTCTCGACCAGAGGCGACGTGAGCAGTGGGGCTTTGGCGTCCGGGCGCG-3'
Protein context (NP_000128.1, residues 8-28): EDSDFPIHNL[Pro18Ala]YGVFSTRGDP

ClinVar aggregate classification (germline): Uncertain significance (1 of 4 stars; one submission).

Conditions:
Tyrosinemia type I (TYRSN1). Also called: FAH DEFICIENCY; Tyrosinemia type 1; Fumarylacetoacetase deficiency; Deficiency of fumarylacetoacetase; HEPATORENAL TYROSINEMIA. Identifiers: Orphanet 882, MedGen C0268490, MONDO:0010161, OMIM 276700. Disease mechanism: loss of function.

Submission:

Labcorp Genetics (formerly Invitae), Labcorp
Classification: Uncertain significance for Tyrosinemia type I. Last evaluated: 2022-11-08. Review status: criteria provided, single submitter. Criteria: Invitae Variant Classification Sherloc (09022015). Collection method: clinical testing. Allele origin: germline.
Comment: This sequence change replaces proline, which is neutral and non-polar, with alanine, which is neutral and non-polar, at codon 18 of the FAH protein (p.Pro18Ala). This variant is not present in population databases (gnomAD no frequency). This variant has not been reported in the literature in individuals affected with FAH-related conditions. Advanced modeling of protein sequence and biophysical properties (such as structural, functional, and spatial information, amino acid conservation, physicochemical variation, residue mobility, and thermodynamic stability) has been performed at Invitae for this missense variant, however the output from this modeling did not meet the statistical confidence thresholds required to predict the impact of this variant on FAH protein function. In summary, the available evidence is currently insufficient to determine the role of this variant in disease. Therefore, it has been classified as a Variant of Uncertain Significance.